The following is an entry in ClinVar:

ClinVar aggregate classification (germline): Pathogenic (1 of 4 stars; one submission).

Conditions:
Multinucleated neurons-anhydramnios-renal dysplasia-cerebellar hypoplasia-hydranencephaly syndrome. Also called: Hydranencephaly with renal aplasia-dysplasia. Identifiers: Orphanet 500135, MedGen C1856053, MONDO:0009359, OMIM 236500.

Allele frequency attached by ClinVar (database versions not stated): ExAC 0.00002; TOPMed 0.00002; gnomAD 0.00003 and 0.00004; gnomAD exomes 0.00005 and 0.00009.
gnomAD v4.1: 126 of 1,577,230 alleles (0.008%); highest among the groups gnomAD compares: Non-Finnish European, 0.011%; no homozygotes.

Submission:

Equipe Genetique des Anomalies du Developpement, Université de Bourgogne
Classification: Pathogenic for Multinucleated neurons-anhydramnios-renal dysplasia-cerebellar hypoplasia-hydranencephaly syndrome. Last evaluated: 2021-01-05. Review status: criteria provided, single submitter. Criteria: ACMG Guidelines, 2015. Collection method: clinical testing. Allele origin: paternal. Inheritance: Autosomal recessive inheritance. Affected: yes.
Comment: Functional study provided. This variant was observed in compound heterozygosity with variant NM_018131.5:c.256C>T.

NM_018131.5(CEP55):c.993+3A>C

Gene: CEP55 (centrosomal protein 55; plus strand). Cytogenetic location: 10q23.33.
Variant type: single nucleotide variant.
Coding change: c.993+3A>C on transcript NM_018131.5 (MANE Select); 3 bases into the intron after coding-DNA position 993, A replaced by C.
Molecular consequence: intron variant.
Genome position (GRCh38, 1-based): chr10:93,517,251, A>C. VCF-style: chr10-93517251-A-C. GRCh37 (hg19) VCF-style: chr10-95277008-A-C.
Other names: c.993+3A>C (NM_001127182.2).
Identifiers: ClinVar variation 982559 (VCV000982559.2), dbSNP rs572584581, ClinGen allele CA5609034.